The following is an entry in ClinVar:

ClinVar aggregate classification (germline): Likely pathogenic (1 of 4 stars; one submission).

Conditions:
Wilms tumor 1 (WT1). Also called: Wilms tumor, somatic. Identifiers: Orphanet 654, MedGen CN033288, MONDO:0008679, OMIM 194070.
Medulloblastoma (MDB). Also called: MEDULLOBLASTOMA PREDISPOSITION SYNDROME; Medulloblastoma, somatic. Identifiers: Orphanet 616, MedGen C0025149, MeSH D008527, MONDO:0007959, OMIM 155255, HP:0002885.
Pancreatic cancer, susceptibility to, 2. Identifiers: Orphanet 1333, MedGen C3150546, MONDO:0013235, OMIM 613347.
Breast-ovarian cancer, familial, susceptibility to, 2 (BROVCA2). Also called: BRCA2 Hereditary Breast and Ovarian Cancer. Identifiers: Orphanet 145, MedGen C2675520, MONDO:0012933, OMIM 612555. Disease mechanism: loss of function.
Glioma susceptibility 3 (GLM3). Also called: Glioblastoma 3. Identifiers: Orphanet 182067, Orphanet 360, MedGen C2751641, MONDO:0013093, OMIM 613029.
Fanconi anemia complementation group D1. Also called: BRCA2-Related Fanconi Anemia. Identifiers: Orphanet 319462, MedGen C1838457, MONDO:0011584, OMIM 605724.
Familial prostate cancer. Also called: Hereditary Prostate Cancer. Identifiers: MedGen C2931456, MONDO:0700275, OMIM 176807.
Familial cancer of breast. Also called: BREAST CANCER, FAMILIAL; Hereditary breast cancer; hereditary breast carcinoma. Identifiers: Orphanet 227535, MedGen C0346153, MONDO:0016419, OMIM 114480. Disease mechanism: loss of function.

Submission:

Juno Genomics, Hangzhou Juno Genomics, Inc
Classification: Likely pathogenic for Familial cancer of breast; Breast-ovarian cancer, familial, susceptibility to, 2; Glioma susceptibility 3; Medulloblastoma; Pancreatic cancer, susceptibility to, 2; Familial prostate cancer; Fanconi anemia complementation group D1; Wilms tumor 1. Review status: criteria provided, single submitter. Criteria: ACMG Guidelines, 2015. Collection method: clinical testing. Allele origin: germline.
Comment: Absent from controls (or at extremely low frequency if recessive) in Genome Aggregation Database.;Null variant in a gene where loss of function (LOF) is a known mechanism of disease.

NM_000059.4(BRCA2):c.3722_3723insA (p.Phe1241fs)

Gene: BRCA2 (BRCA2 DNA repair associated; plus strand). Cytogenetic location: 13q13.1.
Variant type: Insertion.
Coding change: c.3722_3723insA on transcript NM_000059.4 (MANE Select); coding-DNA positions 3722 to 3723, A inserted.
Protein change: p.Phe1241fs; shifts the reading frame from phenylalanine 1241.
Molecular consequence: frameshift variant. On other transcripts: non-coding transcript variant (1), intron variant (2).
Genome position: GRCh38 VCF-style: chr13-32338077-T-TA. GRCh37 (hg19) VCF-style: chr13-32912214-T-TA.
Other names: c.3722_3723insA, p.Phe1241fs (NM_001406719.1, NM_001406720.1, NM_001432077.1); c.1909+4690_1909+4691insA (NM_001406721.1); c.425-6481_425-6480insA (NM_001406722.1); short protein forms F1241fs.
Identifiers: ClinVar variation 3382306 (VCV003382306.3).